The following is an entry in ClinVar:

ClinVar aggregate classification (germline): Likely pathogenic (1 of 4 stars; one submission).

Conditions:
ALMS1-related disorder. Also called: ALMS1-related condition.

Submission:

PreventionGenetics, part of Exact Sciences
Classification: Likely pathogenic for ALMS1-related condition. Last evaluated: 2025-05-23. Review status: criteria provided, single submitter. Criteria: ACMG Guidelines, 2015. Collection method: clinical testing. Allele origin: germline.
Comment: The ALMS1 c.2215_2217delinsAA variant is predicted to result in a frameshift and premature protein termination (p.Leu739Lysfs*39). To our knowledge, this variant has not been reported in the literature or in a large population database (gnomAD), indicating this variant is rare. Frameshift variants in ALMS1 are expected to be pathogenic. This variant is interpreted as likely pathogenic.

NM_001378454.1(ALMS1):c.2212_2214delinsAA (p.Glu738fs)

Gene: ALMS1 (ALMS1 centrosome and basal body associated protein; plus strand). Cytogenetic location: 2p13.1.
Variant type: Indel.
Coding change: c.2212_2214delinsAA on transcript NM_001378454.1 (MANE Select); coding-DNA positions 2212 to 2214, GAG replaced by AA.
Protein change: p.Glu738fs; shifts the reading frame from glutamic acid 738.
Molecular consequence: frameshift variant.
Genome position (GRCh38, 1-based): chr2:73,448,739-73,448,741, GAG replaced by AA. VCF-style: chr2-73448739-GAG-AA. GRCh37 (hg19) VCF-style: chr2-73675866-GAG-AA.
Other names: c.2215_2217delinsAA, p.Glu739fs (NM_015120.4); short protein forms E739fs, E738fs.
Identifiers: ClinVar variation 4977434 (VCV004977434.1).
Genomic context (GRCh38, chr2:73,448,739, plus strand): 5'-CATAGAGAGAAGCCTGGTATTTTTTACCAACAAGAGTTCGCAGACAGTCATCAAACTGAA[GAG>AA]ACTCTTACTAAAGTTTCAGCCACTCCTGGACCAGCTGACCAGAAGACTGAGATACCAGCA-3'